The following is an entry in ClinVar:

ClinVar aggregate classification (germline): Likely pathogenic (1 of 4 stars; one submission).

Conditions:
X-linked Alport syndrome (ATS1). Also called: COL4A5-Related Nephropathy; NEPHROPATHY AND DEAFNESS, X-LINKED. Identifiers: Orphanet 63, Orphanet 88917, MedGen C4746986, MONDO:0010520, OMIM 301050.

Submission:

Myriad Genetics, Inc.
Classification: Likely pathogenic for X-linked Alport syndrome. Last evaluated: 2022-03-02. Review status: criteria provided, single submitter. Criteria: Myriad Women's Health Autosomal Recessive and X-Linked Classification Criteria (2021). Collection method: clinical testing. Allele origin: unknown.
Comment: NM_000495.4(COL4A5):c.3371delC(P1124Qfs*28) is expected to be pathogenic in the context of X-linked Alport syndrome. This variant is predicted to lead to an abnormal or absent protein product due to the creation of a premature termination codon in COL4A5, a gene where loss-of-function variants are known to be pathogenic. Please note: this variant was assessed in the context of healthy population screening.

NM_033380.3(COL4A5):c.3371del (p.Pro1124fs)

Gene: COL4A5 (collagen type IV alpha 5 chain; plus strand). Cytogenetic location: Xq22.3.
Variant type: Deletion.
Coding change: c.3371del on transcript NM_033380.3 (MANE Select); coding-DNA position 3371, one base deleted (C; older notation c.3371delC).
Protein change: p.Pro1124fs; shifts the reading frame from proline 1124.
Molecular consequence: frameshift variant.
Genome position (GRCh38, 1-based): chrX:108,655,455, C deleted; the last of 3 consecutive C bases (chrX:108,655,453-108,655,455); deleting any one gives the same sequence. VCF-style (leftmost placement, unchanged base first): chrX-108655452-TC-T. GRCh37 (hg19) VCF-style: chrX-107898682-TC-T.
Other names: c.3371del, p.Pro1124fs (NM_000495.5); short protein forms P1124fs.
Identifiers: ClinVar variation 1724879 (VCV001724879.2), dbSNP rs2524532130, ClinGen allele CA2580100173.